The following is an entry in ClinVar:

ClinVar aggregate classification (germline): Conflicting classifications of pathogenicity. Review status: criteria provided, conflicting classifications (1 of 4 stars). 3 submissions from 3 submitters: Uncertain significance (2); Likely benign (1). Last evaluated 2025-07-02.

Conditions:
Dilated cardiomyopathy 1JJ (CMD1JJ). Identifiers: Orphanet 154, MedGen C3808935, MONDO:0014095, OMIM 615235.
Cardiovascular phenotype. Identifiers: MedGen CN230736.

Allele frequency attached by ClinVar (database versions not stated): gnomAD 0.00001; TOPMed 0.00003.
gnomAD v4.1: 6 of 1,613,898 alleles (0.00037%); highest among the groups gnomAD compares: Non-Finnish European, 0.00051%; no homozygotes.

Submissions (3):

Labcorp Genetics (formerly Invitae), Labcorp
Classification: Uncertain significance for Dilated cardiomyopathy 1JJ. Last evaluated: 2025-07-02. Review status: criteria provided, single submitter. Criteria: Invitae Variant Classification Sherloc (09022015). Collection method: clinical testing. Allele origin: germline.
Comment: This sequence change replaces aspartic acid, which is acidic and polar, with asparagine, which is neutral and polar, at codon 115 of the LAMA4 protein (p.Asp115Asn). This variant is present in population databases (rs781919095, gnomAD 0.0009%). This variant has not been reported in the literature in individuals affected with LAMA4-related conditions. ClinVar contains an entry for this variant (Variation ID: 227477). Invitae Evidence Modeling of protein sequence and biophysical properties (such as structural, functional, and spatial information, amino acid conservation, physicochemical variation, residue mobility, and thermodynamic stability) indicates that this missense variant is not expected to disrupt LAMA4 protein function with a negative predictive value of 80%. In summary, the available evidence is currently insufficient to determine the role of this variant in disease. Therefore, it has been classified as a Variant of Uncertain Significance.

Ambry Genetics
Classification: Uncertain significance for Cardiovascular phenotype. Last evaluated: 2019-11-01. Review status: criteria provided, single submitter. Criteria: Ambry Variant Classification Scheme 2023. Collection method: clinical testing. Allele origin: germline.
Comment: The p.D115N variant (also known as c.343G>A), located in coding exon 3 of the LAMA4 gene, results from a G to A substitution at nucleotide position 343. The aspartic acid at codon 115 is replaced by asparagine, an amino acid with highly similar properties. This amino acid position is not well conserved in available vertebrate species. In addition, this alteration is predicted to be tolerated by in silico analysis. Since supporting evidence is limited at this time, the clinical significance of this alteration remains unclear.

Laboratory for Molecular Medicine, Mass General Brigham Personalized Medicine
Classification: Likely benign. Last evaluated: 2015-07-16. Review status: criteria provided, single submitter. Criteria: LMM Criteria. Collection method: clinical testing. Allele origin: germline. Observed: 1 variant allele.
Comment: p.Asp115Asn in exon 4 of LAMA4: This variant is not expected to have clinical si gnificance due to a lack of conservation across species, including mammals. Of n ote, 3 mammals (star-nosed mole, cape elephent shrew, aardvark) have an asparagi ne (Asn) at this position despite high nearby amino acid conservation. In additi on, computational prediction tools do not suggest a high likelihood of impact to the protein. This variant has been identified in 1/66678 European chromosomes b y the Exome Aggregation Consortium (ExAC).

NM_001105206.3(LAMA4):c.343G>A (p.Asp115Asn)

Gene: LAMA4 (laminin subunit alpha 4; minus strand). Cytogenetic location: 6q21.
Variant type: single nucleotide variant.
Coding change: c.343G>A on transcript NM_001105206.3 (MANE Select); coding-DNA position 343, G replaced by A.
Protein change: p.Asp115Asn; replaces aspartic acid 115 with asparagine.
Molecular consequence: missense variant.
Genome position (GRCh38, 1-based): chr6:112,207,100, C>T on the plus strand (G>A on the coding strand, the complement: LAMA4 is on the minus strand). VCF-style: chr6-112207100-C-T. GRCh37 (hg19) VCF-style: chr6-112528301-C-T.
Other names: c.343G>A, p.Asp115Asn (NM_001105207.3, NM_002290.5); short protein forms D115N.
Identifiers: ClinVar variation 227477 (VCV000227477.17), dbSNP rs781919095, ClinGen allele CA3966193.